The following is an entry in ClinVar:

NM_001040108.2(MLH3):c.3403A>G (p.Ser1135Gly)

Gene: MLH3 (mutL homolog 3; minus strand). Cytogenetic location: 14q24.3.
Variant type: single nucleotide variant.
Coding change: c.3403A>G on transcript NM_001040108.2 (MANE Select); coding-DNA position 3403, A replaced by G.
Protein change: p.Ser1135Gly; replaces serine 1135 with glycine.
Molecular consequence: missense variant.
Genome position (GRCh38, 1-based): chr14:75,041,677, T>C on the plus strand (A>G on the coding strand, the complement: MLH3 is on the minus strand). VCF-style: chr14-75041677-T-C. GRCh37 (hg19) VCF-style: chr14-75508380-T-C.
Other names: c.3403A>G, p.Ser1135Gly (NM_014381.3); short protein forms S1135G.
Identifiers: ClinVar variation 1731093 (VCV001731093.2), dbSNP rs2139494911, ClinGen allele CA390431023.

ClinVar aggregate classification (germline): Uncertain significance (1 of 4 stars; one submission).

Submission:

Ambry Genetics
Classification: Uncertain significance. Last evaluated: 2021-10-15. Review status: criteria provided, single submitter. Criteria: Ambry Variant Classification Scheme 2023. Collection method: clinical testing. Allele origin: germline.
Comment: The p.S1135G variant (also known as c.3403A>G), located in coding exon 3 of the MLH3 gene, results from an A to G substitution at nucleotide position 3403. The serine at codon 1135 is replaced by glycine, an amino acid with similar properties. This amino acid position is conserved. In addition, this alteration is predicted to be tolerated by in silico analysis. Since supporting evidence is limited at this time, the clinical significance of this alteration remains unclear.